The following is an entry in ClinVar:

NM_080680.3(COL11A2):c.876+4A>C

Gene: COL11A2 (collagen type XI alpha 2 chain; minus strand). Cytogenetic location: 6p21.32.
Variant type: single nucleotide variant.
Coding change: c.876+4A>C on transcript NM_080680.3 (MANE Select); 4 bases into the intron after coding-DNA position 876, A replaced by C.
Molecular consequence: intron variant.
Genome position (GRCh38, 1-based): chr6:33,185,697, T>G on the plus strand (A>C on the coding strand, the complement: COL11A2 is on the minus strand). VCF-style: chr6-33185697-T-G. GRCh37 (hg19) VCF-style: chr6-33153474-T-G.
Other names: c.798+930A>C (NM_080679.3); c.799-643A>C (NM_080681.3).
Identifiers: ClinVar variation 1896837 (VCV001896837.5), dbSNP rs2535475905, ClinGen allele CA2580074329.

ClinVar aggregate classification (germline): Uncertain significance (1 of 4 stars; one submission).

Submission:

Labcorp Genetics (formerly Invitae), Labcorp
Classification: Uncertain significance. Last evaluated: 2022-08-13. Review status: criteria provided, single submitter. Criteria: Invitae Variant Classification Sherloc (09022015). Collection method: clinical testing. Allele origin: germline.
Comment: In summary, the available evidence is currently insufficient to determine the role of this variant in disease. Therefore, it has been classified as a Variant of Uncertain Significance. Variants that disrupt the consensus splice site are a relatively common cause of aberrant splicing (PMID: 17576681, 9536098). Algorithms developed to predict the effect of sequence changes on RNA splicing suggest that this variant is not likely to affect RNA splicing. This variant has not been reported in the literature in individuals affected with COL11A2-related conditions. This variant is not present in population databases (gnomAD no frequency). This sequence change falls in intron 6 of the COL11A2 gene. It does not directly change the encoded amino acid sequence of the COL11A2 protein. It affects a nucleotide within the consensus splice site.

Literature cited by the submitters: PubMed 17576681; PubMed 9536098.